The following is an entry in ClinVar:

NM_001171.6(ABCC6):c.2675A>G (p.Lys892Arg)

Gene: ABCC6 (ATP binding cassette subfamily C member 6; minus strand). Cytogenetic location: 16p13.11.
Variant type: single nucleotide variant.
Coding change: c.2675A>G on transcript NM_001171.6 (MANE Select); coding-DNA position 2675, A replaced by G.
Protein change: p.Lys892Arg; replaces lysine 892 with arginine.
Molecular consequence: missense variant. On other transcripts: non-coding transcript variant (1).
Genome position (GRCh38, 1-based): chr16:16,173,396, T>C on the plus strand (A>G on the coding strand, the complement: ABCC6 is on the minus strand). VCF-style: chr16-16173396-T-C. GRCh37 (hg19) VCF-style: chr16-16267253-T-C.
Other names: c.2333A>G, p.Lys778Arg (NM_001351800.1); c.2675A>G (NM_001171.5); short protein forms K778R, K892R.
Identifiers: ClinVar variation 1413996 (VCV001413996.4), dbSNP rs1277193521, ClinGen allele CA394886304.
Genomic context (GRCh38, chr16:16,173,396, plus strand): 5'-TCATCCAGAGGAACCTCTGTCTGGGCTTCTGAAGTGGTACGGTCCTTCTCAGGGACTGAC[T>C]TGATGGACCTGTCATTTAGAGGAAATGAAGACAAAGTCAGTATCTCTCCCAATGGTGGGG-3'
Protein context (NP_001162.5, residues 882-902): RPELRRERSI[Lys892Arg]SVPEKDRTTS

ClinVar aggregate classification (germline): Uncertain significance. Review status: criteria provided, multiple submitters, no conflicts (2 of 4 stars). 2 submissions from 2 submitters: Uncertain significance (2). Last evaluated 2022-08-09.

Conditions:
Inborn genetic diseases. Identifiers: MedGen C0950123, MeSH D030342.

Allele frequency attached by ClinVar (database versions not stated): gnomAD exomes below 0.00001; gnomAD 0.00002; TOPMed 0.00003.
gnomAD v4.1: 5 of 1,613,980 alleles (0.00031%); highest among the groups gnomAD compares: African/African-American, 0.0053%; no homozygotes.

Submissions (2):

Labcorp Genetics (formerly Invitae), Labcorp
Classification: Uncertain significance. Last evaluated: 2022-08-09. Review status: criteria provided, single submitter. Criteria: Invitae Variant Classification Sherloc (09022015). Collection method: clinical testing. Allele origin: germline.
Comment: This sequence change replaces lysine, which is basic and polar, with arginine, which is basic and polar, at codon 892 of the ABCC6 protein (p.Lys892Arg). This variant is not present in population databases (gnomAD no frequency). This variant has not been reported in the literature in individuals affected with ABCC6-related conditions. ClinVar contains an entry for this variant (Variation ID: 1413996). Advanced modeling of protein sequence and biophysical properties (such as structural, functional, and spatial information, amino acid conservation, physicochemical variation, residue mobility, and thermodynamic stability) performed at Invitae indicates that this missense variant is not expected to disrupt ABCC6 protein function. Algorithms developed to predict the effect of sequence changes on RNA splicing suggest that this variant may create or strengthen a splice site. In summary, the available evidence is currently insufficient to determine the role of this variant in disease. Therefore, it has been classified as a Variant of Uncertain Significance.

Ambry Genetics
Classification: Uncertain significance for Inborn genetic diseases. Last evaluated: 2022-05-16. Review status: criteria provided, single submitter. Criteria: Ambry Variant Classification Scheme 2023. Collection method: clinical testing. Allele origin: germline.